The following is an entry in ClinVar:

NM_020800.3(IFT80):c.599A>G (p.Asn200Ser)

Genes: IFT80 (intraflagellar transport 80; minus strand), TRIM59-IFT80 (TRIM59-IFT80 readthrough (NMD candidate); minus strand). Cytogenetic location: 3q25.33.
Variant type: single nucleotide variant.
Coding change: c.599A>G on transcript NM_020800.3 (MANE Select); coding-DNA position 599, A replaced by G.
Protein change: p.Asn200Ser; replaces asparagine 200 with serine.
Molecular consequence: missense variant. On other transcripts: non-coding transcript variant (3).
Genome position (GRCh38, 1-based): chr3:160,357,529, T>C on the plus strand (A>G on the coding strand, the complement: IFT80 is on the minus strand). VCF-style: chr3-160357529-T-C. GRCh37 (hg19) VCF-style: chr3-160075317-T-C.
Other names: c.188A>G, p.Asn63Ser (NM_001190241.2, NM_001190242.2); short protein forms N200S, N63S.
Identifiers: ClinVar variation 967040 (VCV000967040.7), dbSNP rs1468017879, ClinGen allele CA355193060.

ClinVar aggregate classification (germline): Uncertain significance (1 of 4 stars; one submission).

Conditions:
Jeune thoracic dystrophy. Also called: Jeune syndrome; Infantile thoracic dystrophy; Thoracic pelvic phalangeal dystrophy; Jeune's syndrome; Chondroectodermal dysplasia-like syndrome; Short-rib thoracic dysplasia. Identifiers: Orphanet 474, MedGen C0265275, MONDO:0018770.

Allele frequency attached by ClinVar (database versions not stated): gnomAD 0.00001; TOPMed 0.00002.
gnomAD v4.1: 7 of 1,598,300 alleles (0.00044%); highest among the groups gnomAD compares: Non-Finnish European, 0.0006%; no homozygotes.

Submission:

Labcorp Genetics (formerly Invitae), Labcorp
Classification: Uncertain significance for Jeune thoracic dystrophy. Last evaluated: 2023-09-26. Review status: criteria provided, single submitter. Criteria: Invitae Variant Classification Sherloc (09022015). Collection method: clinical testing. Allele origin: germline.
Comment: ClinVar contains an entry for this variant (Variation ID: 967040). In summary, the available evidence is currently insufficient to determine the role of this variant in disease. Therefore, it has been classified as a Variant of Uncertain Significance. Advanced modeling of protein sequence and biophysical properties (such as structural, functional, and spatial information, amino acid conservation, physicochemical variation, residue mobility, and thermodynamic stability) performed at Invitae indicates that this missense variant is not expected to disrupt IFT80 protein function. This variant has not been reported in the literature in individuals affected with IFT80-related conditions. This variant is not present in population databases (gnomAD no frequency). This sequence change replaces asparagine, which is neutral and polar, with serine, which is neutral and polar, at codon 200 of the IFT80 protein (p.Asn200Ser).